The following is an entry in ClinVar:

NM_001384140.1(PCDH15):c.3256del (p.Thr1086fs)

Gene: PCDH15 (protocadherin related 15; minus strand). Cytogenetic location: 10q21.1.
Variant type: Deletion.
Coding change: c.3256del on transcript NM_001384140.1 (MANE Select); coding-DNA position 3256, one base deleted (A; older notation c.3256delA).
Protein change: p.Thr1086fs; shifts the reading frame from threonine 1086.
Molecular consequence: frameshift variant.
Genome position (GRCh38, 1-based): chr10:53,938,932, T deleted on the plus strand (A on the coding strand, the reverse complement: PCDH15 is on the minus strand). VCF-style (leftmost placement, unchanged base first): chr10-53938931-GT-G. GRCh37 (hg19) VCF-style: chr10-55698691-GT-G.
Other names: c.3271del, p.Thr1091fs (NM_001142763.2, NM_001142771.2); c.3256del, p.Thr1086fs (NM_001142764.2, NM_001142766.2, NM_001142770.3 and 4 more transcripts); c.3043del, p.Thr1015fs (NM_001142765.2); c.3145del, p.Thr1049fs (NM_001142767.2); c.3190del, p.Thr1064fs (NM_001142768.2, NM_001142773.2, NM_001354404.2); c.3292delA, p.Thr1098Glnfs (NM_001142769.4); c.3277del, p.Thr1093fs (NM_001354411.2); short protein forms T1091fs, T1064fs, T1015fs, T1049fs, T1086fs, T1093fs, T1098fs.
Identifiers: ClinVar variation 2694672 (VCV002694672.3), dbSNP rs2494605090, ClinGen allele CA2697558339.

ClinVar aggregate classification (germline): Pathogenic (1 of 4 stars; one submission).

Submission:

Labcorp Genetics (formerly Invitae), Labcorp
Classification: Pathogenic. Last evaluated: 2023-11-10. Review status: criteria provided, single submitter. Criteria: Invitae Variant Classification Sherloc (09022015). Collection method: clinical testing. Allele origin: germline.
Comment: This sequence change creates a premature translational stop signal (p.Thr1086Glnfs*6) in the PCDH15 gene. It is expected to result in an absent or disrupted protein product. Loss-of-function variants in PCDH15 are known to be pathogenic (PMID: 11398101, 11487575, 14570705). This variant is not present in population databases (gnomAD no frequency). This variant has not been reported in the literature in individuals affected with PCDH15-related conditions. For these reasons, this variant has been classified as Pathogenic.

Literature cited by the submitters: PubMed 11398101; PubMed 11487575; PubMed 14570705.